The following is an entry in ClinVar:

ClinVar aggregate classification (germline): Likely benign (0 of 4 stars; one submission).

Conditions:
LRP1B-related disorder. Also called: LRP1B-related condition.

Allele frequency attached by ClinVar (database versions not stated): ExAC 0.00032; 1000 Genomes Project 0.00040; TOPMed 0.00040; gnomAD 0.00045; 1000 Genomes Project 30x 0.00062; ESP Exome Variant Server 0.00085.
gnomAD v4.1: 1,108 of 1,601,124 alleles (0.069%); highest among the groups gnomAD compares: Non-Finnish European, 0.09%; no homozygotes.

Submission:

PreventionGenetics, part of Exact Sciences
Classification: Likely benign for LRP1B-related condition. Last evaluated: 2019-02-28. Review status: no assertion criteria provided. Collection method: clinical testing. Allele origin: germline.
Comment: This variant is classified as likely benign based on ACMG/AMP sequence variant interpretation guidelines (Richards et al. 2015 PMID: 25741868, with internal and published modifications).

NM_018557.3(LRP1B):c.13687G>A (p.Ala4563Thr)

Gene: LRP1B (LDL receptor related protein 1B; minus strand). Cytogenetic location: 2q22.1.
Variant type: single nucleotide variant.
Coding change: c.13687G>A on transcript NM_018557.3 (MANE Select); coding-DNA position 13687, G replaced by A.
Protein change: p.Ala4563Thr; replaces alanine 4563 with threonine.
Molecular consequence: missense variant.
Genome position (GRCh38, 1-based): chr2:140,233,299, C>T on the plus strand (G>A on the coding strand, the complement: LRP1B is on the minus strand). VCF-style: chr2-140233299-C-T. GRCh37 (hg19) VCF-style: chr2-140990868-C-T.
Other names: short protein forms A4563T.
Identifiers: ClinVar variation 3045191 (VCV003045191.2), dbSNP rs140358724, ClinGen allele CA1892401.
Genomic context (GRCh38, chr2:140,233,299, plus strand): 5'-TCCTTTCATCAACACTTCCTAAGGAGTTTCGACAGTTTTGCCCATCCATATATAATTTTG[C>T]ATATACCGGATTGGAGTAATTTGTTGGCTGAAGGAGAAAAAAAATAAATATAATTTTATT-3'
Protein context (NP_061027.2, residues 4553-4573): GPTNYSNPVY[Ala4563Thr]KLYMDGQNCR